The following is an entry in ClinVar:

NM_002497.4(NEK2):c.257T>C (p.Met86Thr)

Gene: NEK2 (NIMA related kinase 2; minus strand). Cytogenetic location: 1q32.3.
Variant type: single nucleotide variant.
Coding change: c.257T>C on transcript NM_002497.4 (MANE Select); coding-DNA position 257, T replaced by C.
Protein change: p.Met86Thr; replaces methionine 86 with threonine.
Molecular consequence: missense variant.
Genome position (GRCh38, 1-based): chr1:211,674,353, A>G on the plus strand (T>C on the coding strand, the complement: NEK2 is on the minus strand). VCF-style: chr1-211674353-A-G. GRCh37 (hg19) VCF-style: chr1-211847695-A-G.
Other names: c.257T>C, p.Met86Thr (NM_001204182.2, NM_001204183.2); short protein forms M86T.
Identifiers: ClinVar variation 2750209 (VCV002750209.3), dbSNP rs2464404417, ClinGen allele CA344784914.
Genomic context (GRCh38, chr1:211,674,353, plus strand): 5'-TACCTTTCCTTGGTTCCCTTTGTAATTACACTAGCCAGATCCCCTCCTTCACAATATTCC[A>G]TTACAATGTACAGTGTTGTATTGGTCCGGTCAATAATCCGATCATAGTAACGAACGATGT-3'
Protein context (NP_002488.1, residues 76-96): DRTNTTLYIV[Met86Thr]EYCEGGDLAS

ClinVar aggregate classification (germline): Uncertain significance (1 of 4 stars; one submission).

Allele frequency attached by ClinVar (database versions not stated): gnomAD exomes below 0.00001.
gnomAD v4.1: 1 of 1,614,078 alleles (0.000062%); highest among the groups gnomAD compares: Non-Finnish European, 0.000085%; no homozygotes.

Submission:

Labcorp Genetics (formerly Invitae), Labcorp
Classification: Uncertain significance. Last evaluated: 2023-08-10. Review status: criteria provided, single submitter. Criteria: Invitae Variant Classification Sherloc (09022015). Collection method: clinical testing. Allele origin: germline.
Comment: This variant is not present in population databases (gnomAD no frequency). This sequence change replaces methionine, which is neutral and non-polar, with threonine, which is neutral and polar, at codon 86 of the NEK2 protein (p.Met86Thr). In summary, the available evidence is currently insufficient to determine the role of this variant in disease. Therefore, it has been classified as a Variant of Uncertain Significance. An algorithm developed to predict the effect of missense changes on protein structure and function (PolyPhen-2) suggests that this variant is likely to be disruptive. This variant has not been reported in the literature in individuals affected with NEK2-related conditions.